The following is an entry in ClinVar:

NM_032387.5(WNK4):c.64C>A (p.Leu22Met)

Gene: WNK4 (WNK lysine deficient protein kinase 4; plus strand). Cytogenetic location: 17q21.2.
Variant type: single nucleotide variant.
Coding change: c.64C>A on transcript NM_032387.5 (MANE Select); coding-DNA position 64, C replaced by A.
Protein change: p.Leu22Met; replaces leucine 22 with methionine.
Molecular consequence: missense variant. On other transcripts: 5 prime UTR variant (1).
Genome position (GRCh38, 1-based): chr17:42,780,762, C>A. VCF-style: chr17-42780762-C-A. GRCh37 (hg19) VCF-style: chr17-40932780-C-A.
Other names: c.-856C>A (NM_001321299.2); short protein forms L22M.
Identifiers: ClinVar variation 2630110 (VCV002630110.1), dbSNP rs752591503, ClinGen allele CA399641006.

ClinVar aggregate classification (germline): Uncertain significance (1 of 4 stars; one submission).

Conditions:
WNK4-related disorder. Also called: WNK4-related condition.

gnomAD v4.1: 5 of 1,607,600 alleles (0.00031%); highest among the groups gnomAD compares: Non-Finnish European, 0.00042%; no homozygotes.

Submission:

PreventionGenetics, part of Exact Sciences
Classification: Uncertain significance for WNK4-related condition. Last evaluated: 2022-12-21. Review status: criteria provided, single submitter. Criteria: ACMG Guidelines, 2015. Collection method: clinical testing. Allele origin: germline.
Comment: The WNK4 c.64C>A variant is predicted to result in the amino acid substitution p.Leu22Met. To our knowledge, this variant has not been reported in the literature or in a large population database, indicating this variant is rare. At this time, the clinical significance of this variant is uncertain due to the absence of conclusive functional and genetic evidence.